The following is an entry in ClinVar:

ClinVar aggregate classification (germline): Conflicting classifications of pathogenicity. Review status: criteria provided, conflicting classifications (1 of 4 stars). 2 submissions from 2 submitters: Uncertain significance (1); Likely benign (1). Last evaluated 2026-01-13.

Conditions:
SBF2-related disorder. Also called: SBF2-related condition.
Charcot-Marie-Tooth disease type 4. Also called: Charcot-Marie-Tooth, Type 4; Charcot-Marie-Tooth disease, type IV. Identifiers: Orphanet 64749, MedGen C4082197, MONDO:0018995.

Allele frequency attached by ClinVar (database versions not stated): TOPMed 0.00008; gnomAD exomes 0.00010 and 0.00004; gnomAD 0.00003 and 0.00004; ExAC 0.00006.
gnomAD v4.1: 31 of 1,613,952 alleles (0.0019%); highest among the groups gnomAD compares: Admixed American, 0.048%; no homozygotes.

Submissions (2):

Labcorp Genetics (formerly Invitae), Labcorp
Classification: Likely benign for Charcot-Marie-Tooth disease type 4. Last evaluated: 2026-01-13. Review status: criteria provided, single submitter. Criteria: Invitae Variant Classification Sherloc (09022015). Collection method: clinical testing. Allele origin: germline.

PreventionGenetics, part of Exact Sciences
Classification: Uncertain significance for SBF2-related condition. Last evaluated: 2022-09-08. Review status: criteria provided, single submitter. Criteria: ACMG Guidelines, 2015. Collection method: clinical testing. Allele origin: germline.
Comment: The SBF2 c.2787A>T variant is not predicted to result in an amino acid change (p.=). To our knowledge, this variant has not been reported in the literature. This variant is reported in 0.067% of alleles in individuals of Latino descent in gnomAD. Although we suspect that this variant may be benign, at this time, the clinical significance of this variant is uncertain due to the absence of conclusive functional and genetic evidence.

NM_030962.4(SBF2):c.2787A>T (p.Gly929=)

Genes: SBF2 (SET binding factor 2; minus strand), LOC101928008 (uncharacterized LOC101928008; plus strand). Cytogenetic location: 11p15.4.
Variant type: single nucleotide variant.
Coding change: c.2787A>T on transcript NM_030962.4 (MANE Select); coding-DNA position 2787, A replaced by T.
Protein change: p.Gly929=; no amino-acid change (glycine 929 retained).
Molecular consequence: synonymous variant.
Genome position (GRCh38, 1-based): chr11:9,850,042, T>A on the plus strand (A>T on the coding strand, the complement: SBF2 is on the minus strand). VCF-style: chr11-9850042-T-A. GRCh37 (hg19) VCF-style: chr11-9871589-T-A.
Other names: c.2787A>T, p.Gly929= (NM_001386339.1); c.2658A>T, p.Gly886= (NM_001386342.1).
Identifiers: ClinVar variation 700985 (VCV000700985.9), dbSNP rs777826645, ClinGen allele CA5881462.